The following is an entry in ClinVar:

NM_006612.6(KIF1C):c.764C>A (p.Ala255Asp)

Genes: KIF1C (kinesin family member 1C; plus strand), LOC126862472 (CDK7 strongly-dependent group 2 enhancer GRCh37_chr17:4906716-4907915; plus strand). Cytogenetic location: 17p13.2.
Variant type: single nucleotide variant.
Coding change: c.764C>A on transcript NM_006612.6 (MANE Select); coding-DNA position 764, C replaced by A.
Protein change: p.Ala255Asp; replaces alanine 255 with aspartic acid.
Molecular consequence: missense variant.
Genome position (GRCh38, 1-based): chr17:5,003,655, C>A. VCF-style: chr17-5003655-C-A. GRCh37 (hg19) VCF-style: chr17-4906950-C-A.
Other names: short protein forms A255D.
Identifiers: ClinVar variation 2008283 (VCV002008283.4), dbSNP rs751686969, ClinGen allele CA397347284.

ClinVar aggregate classification (germline): Uncertain significance (1 of 4 stars; one submission).

Conditions:
Spastic ataxia 2. Also called: Ataxia, spastic, 2, autosomal recessive. Identifiers: Orphanet 397946, MedGen C1969796, MONDO:0012651, OMIM 611302.

Submission:

Labcorp Genetics (formerly Invitae), Labcorp
Classification: Uncertain significance for Spastic ataxia 2. Last evaluated: 2022-06-19. Review status: criteria provided, single submitter. Criteria: Invitae Variant Classification Sherloc (09022015). Collection method: clinical testing. Allele origin: germline.
Comment: This sequence change replaces alanine, which is neutral and non-polar, with aspartic acid, which is acidic and polar, at codon 255 of the KIF1C protein (p.Ala255Asp). This variant is not present in population databases (gnomAD no frequency). This variant has not been reported in the literature in individuals affected with KIF1C-related conditions. Algorithms developed to predict the effect of missense changes on protein structure and function (SIFT, PolyPhen-2, Align-GVGD) all suggest that this variant is likely to be disruptive. In summary, the available evidence is currently insufficient to determine the role of this variant in disease. Therefore, it has been classified as a Variant of Uncertain Significance.